The following is an entry in ClinVar:

NM_004795.4(KL):c.2779C>T (p.Leu927Phe)

Gene: KL (klotho; plus strand). Cytogenetic location: 13q13.1.
Variant type: single nucleotide variant.
Coding change: c.2779C>T on transcript NM_004795.4 (MANE Select); coding-DNA position 2779, C replaced by T.
Protein change: p.Leu927Phe; replaces leucine 927 with phenylalanine.
Molecular consequence: missense variant.
Genome position (GRCh38, 1-based): chr13:33,063,926, C>T. VCF-style: chr13-33063926-C-T. GRCh37 (hg19) VCF-style: chr13-33638063-C-T.
Other names: short protein forms L927F.
Identifiers: ClinVar variation 311707 (VCV000311707.9), dbSNP rs777126851, ClinGen allele CA6944390.
Genomic context (GRCh38, chr13:33,063,926, plus strand): 5'-ATCAATCTTTGCGGATACTTTGCTTATTCGTTTAACGACCGCACAGCTCCGAGGTTTGGC[C>T]TCTATCGTTATGCTGCAGATCAGTTTGAGCCCAAGGCATCCATGAAACATTACAGGAAAA-3'
Protein context (NP_004786.2, residues 917-937): FNDRTAPRFG[Leu927Phe]YRYAADQFEP

ClinVar aggregate classification (germline): Uncertain significance. Review status: criteria provided, multiple submitters, no conflicts (2 of 4 stars). 3 submissions from 3 submitters: Uncertain significance (3). Last evaluated 2025-10-02.

Conditions:
Tumoral calcinosis, hyperphosphatemic, familial, 3. Identifiers: MedGen C4693864, MONDO:0060715, OMIM 617994.

Allele frequency attached by ClinVar (database versions not stated): gnomAD 0.00001; gnomAD exomes 0.00001 and 0.00002; TOPMed 0.00001; ExAC 0.00003.
gnomAD v4.1: 15 of 1,614,024 alleles (0.00093%); highest among the groups gnomAD compares: African/African-American, 0.0013%; no homozygotes.

Submissions (3):

Labcorp Genetics (formerly Invitae), Labcorp
Classification: Uncertain significance. Last evaluated: 2025-10-02. Review status: criteria provided, single submitter. Criteria: Invitae Variant Classification Sherloc (09022015). Collection method: clinical testing. Allele origin: germline.
Comment: This sequence change replaces leucine, which is neutral and non-polar, with phenylalanine, which is neutral and non-polar, at codon 927 of the KL protein (p.Leu927Phe). This variant is present in population databases (rs777126851, gnomAD 0.004%). This variant has not been reported in the literature in individuals affected with KL-related conditions. ClinVar contains an entry for this variant (Variation ID: 311707). Invitae Evidence Modeling of protein sequence and biophysical properties (such as structural, functional, and spatial information, amino acid conservation, physicochemical variation, residue mobility, and thermodynamic stability) indicates that this missense variant is not expected to disrupt KL protein function with a negative predictive value of 80%. In summary, the available evidence is currently insufficient to determine the role of this variant in disease. Therefore, it has been classified as a Variant of Uncertain Significance.

Ambry Genetics
Classification: Uncertain significance. Last evaluated: 2025-04-14. Review status: criteria provided, single submitter. Criteria: Ambry Variant Classification Scheme 2023. Collection method: clinical testing. Allele origin: germline.

Illumina Laboratory Services, Illumina
Classification: Uncertain significance for Tumoral calcinosis, hyperphosphatemic, familial, 3. Last evaluated: 2018-01-12. Review status: criteria provided, single submitter. Criteria: ICSL Variant Classification Criteria 13 December 2019. Collection method: clinical testing. Allele origin: germline.